The following is an entry in ClinVar:

ClinVar aggregate classification (germline): Uncertain significance (1 of 4 stars; one submission).

Submission:

Women's Health and Genetics/Laboratory Corporation of America, LabCorp
Classification: Uncertain significance. Last evaluated: 2025-02-18. Review status: criteria provided, single submitter. Criteria: LabCorp Variant Classification Summary - May 2015. Collection method: clinical testing. Allele origin: germline.
Comment: Variant summary: SLC34A3 c.1390G>C (p.Val464Leu) results in a conservative amino acid change in the encoded protein sequence. Four of five in-silico tools predict a benign effect of the variant on protein function. The variant was absent in 246894 control chromosomes. The available data on variant occurrences in the general population are insufficient to allow any conclusion about variant significance. To our knowledge, no occurrence of c.1390G>C in individuals affected with Hereditary Hypophosphatemic Rickets With Hypercalciuria and no experimental evidence demonstrating its impact on protein function have been reported. No submitters have cited clinical-significance assessments for this variant to ClinVar. Based on the evidence outlined above, the variant was classified as uncertain significance.

NM_001177316.2(SLC34A3):c.1390G>C (p.Val464Leu)

Gene: SLC34A3 (solute carrier family 34 member 3; plus strand). Cytogenetic location: 9q34.3.
Variant type: single nucleotide variant.
Coding change: c.1390G>C on transcript NM_001177316.2 (MANE Select); coding-DNA position 1390, G replaced by C.
Protein change: p.Val464Leu; replaces valine 464 with leucine.
Molecular consequence: missense variant.
Genome position (GRCh38, 1-based): chr9:137,236,006, G>C. VCF-style: chr9-137236006-G-C. GRCh37 (hg19) VCF-style: chr9-140130458-G-C.
Other names: c.1390G>C, p.Val464Leu (NM_001177317.2, NM_080877.3); short protein forms V464L.
Identifiers: ClinVar variation 3769006 (VCV003769006.1).